The following is an entry in ClinVar:

NM_006623.4(PHGDH):c.991C>T (p.Pro331Ser)

Gene: PHGDH (phosphoglycerate dehydrogenase; plus strand). Cytogenetic location: 1p12.
Variant type: single nucleotide variant.
Coding change: c.991C>T on transcript NM_006623.4 (MANE Select); coding-DNA position 991, C replaced by T.
Protein change: p.Pro331Ser; replaces proline 331 with serine.
Molecular consequence: missense variant.
Genome position (GRCh38, 1-based): chr1:119,740,431, C>T. VCF-style: chr1-119740431-C-T. GRCh37 (hg19) VCF-style: chr1-120283054-C-T.
Other names: short protein forms P331S.
Identifiers: ClinVar variation 1460922 (VCV001460922.3), dbSNP rs370562656, ClinGen allele CA341852195.

ClinVar aggregate classification (germline): Uncertain significance (1 of 4 stars; one submission).

Conditions:
PHGDH deficiency. Identifiers: Orphanet 79351, MedGen C1866174, MONDO:0011152, OMIM 601815.

gnomAD v4.1: 2 of 1,613,648 alleles (0.00012%); highest among the groups gnomAD compares: African/African-American, 0.0013%; no homozygotes.

Submission:

Labcorp Genetics (formerly Invitae), Labcorp
Classification: Uncertain significance for PHGDH deficiency. Last evaluated: 2022-07-26. Review status: criteria provided, single submitter. Criteria: Invitae Variant Classification Sherloc (09022015). Collection method: clinical testing. Allele origin: germline.
Comment: This sequence change replaces proline, which is neutral and non-polar, with serine, which is neutral and polar, at codon 331 of the PHGDH protein (p.Pro331Ser). This variant is present in population databases (no rsID available, gnomAD 0.0009%). This variant has not been reported in the literature in individuals affected with PHGDH-related conditions. ClinVar contains an entry for this variant (Variation ID: 1460922). Algorithms developed to predict the effect of missense changes on protein structure and function (SIFT, PolyPhen-2, Align-GVGD) all suggest that this variant is likely to be tolerated. In summary, the available evidence is currently insufficient to determine the role of this variant in disease. Therefore, it has been classified as a Variant of Uncertain Significance.